The following is an entry in ClinVar:

ClinVar aggregate classification (germline): Uncertain significance (1 of 4 stars; one submission).

Submission:

GeneDx
Classification: Uncertain significance. Last evaluated: 2023-05-19. Review status: criteria provided, single submitter. Criteria: GeneDx Variant Classification Process June 2021. Collection method: clinical testing. Allele origin: germline.
Comment: Not observed at significant frequency in large population cohorts (gnomAD); In silico analysis supports that this missense variant does not alter protein structure/function; Has not been previously published as pathogenic or benign to our knowledge

NM_003403.5(YY1):c.293A>G (p.His98Arg)

Gene: YY1 (YY1 transcription factor; plus strand). Cytogenetic location: 14q32.2.
Variant type: single nucleotide variant.
Coding change: c.293A>G on transcript NM_003403.5 (MANE Select); coding-DNA position 293, A replaced by G.
Protein change: p.His98Arg; replaces histidine 98 with arginine.
Molecular consequence: missense variant.
Genome position (GRCh38, 1-based): chr14:100,239,537, A>G. VCF-style: chr14-100239537-A-G. GRCh37 (hg19) VCF-style: chr14-100705874-A-G.
Other names: short protein forms H98R.
Identifiers: ClinVar variation 2430478 (VCV002430478.2), dbSNP rs2549127314, ClinGen allele CA390971562.